The following is an entry in ClinVar:

NM_000059.4(BRCA2):c.9496G>A (p.Val3166Ile)

Gene: BRCA2 (BRCA2 DNA repair associated; plus strand). Cytogenetic location: 13q13.1.
Variant type: single nucleotide variant.
Coding change: c.9496G>A on transcript NM_000059.4 (MANE Select); coding-DNA position 9496, G replaced by A.
Protein change: p.Val3166Ile; replaces valine 3166 with isoleucine.
Molecular consequence: missense variant.
Genome position (GRCh38, 1-based): chr13:32,394,928, G>A. VCF-style: chr13-32394928-G-A. GRCh37 (hg19) VCF-style: chr13-32969065-G-A.
Other names: 9724G>A; short protein forms V3166I.
Identifiers: ClinVar variation 91526 (VCV000091526.32), dbSNP rs398122615, ClinGen allele CA026177.

ClinVar aggregate classification (germline): Conflicting classifications of pathogenicity. Review status: criteria provided, conflicting classifications (1 of 4 stars). 9 submissions from 9 submitters: Uncertain significance (6); Likely benign (1). 2 of the submissions do not count toward it. Last evaluated 2026-04-16.

Conditions:
BRCA2-related cancer predisposition. Identifiers: MedGen CN377758, MONDO:0700269.
Hereditary cancer-predisposing syndrome. Also called: Hereditary neoplastic syndrome; Neoplastic Syndromes, Hereditary; Hereditary Cancer Syndrome; Tumor predisposition. Identifiers: Orphanet 140162, MedGen C0027672, MeSH D009386, MONDO:0015356.
Hereditary breast ovarian cancer syndrome. Also called: Hereditary breast and ovarian cancer syndrome (HBOC); Breast and ovarian cancer; Hereditary breast and ovarian cancer syndrome; BRCA1- and BRCA2-Associated Hereditary Breast and Ovarian Cancer; Hereditary breast and/or ovarian cancer syndrome; Hereditary breast and ovarian cancer. Identifiers: Orphanet 145, MedGen C0677776, MeSH D061325, MONDO:0003582. Disease mechanism: loss of function.
Breast-ovarian cancer, familial, susceptibility to, 2 (BROVCA2). Also called: BRCA2 Hereditary Breast and Ovarian Cancer. Identifiers: Orphanet 145, MedGen C2675520, MONDO:0012933, OMIM 612555. Disease mechanism: loss of function.

Allele frequency attached by ClinVar (database versions not stated): ExAC 0.00001; gnomAD 0.00001; gnomAD exomes 0.00001; TOPMed 0.00001.

Submissions (9):

Women's Health and Genetics/Laboratory Corporation of America, LabCorp
Classification: Uncertain significance. Last evaluated: 2026-04-16. Review status: criteria provided, single submitter. Criteria: LabCorp Variant Classification Summary - May 2015. Collection method: clinical testing. Allele origin: germline.
Comment: Variant summary: BRCA2 c.9496G>A (p.Val3166Ile) results in a conservative amino acid change in the encoded protein sequence. Algorithms developed to predict the effect of missense changes on protein structure and function all suggest that this variant is likely to be tolerated. The variant allele was found at a frequency of 1.2e-05 in 251046 control chromosomes (gnomAD). The available data on variant occurrences in the general population are insufficient to allow any conclusion about variant significance. To our knowledge, no occurrence of c.9496G>A in individuals affected with BRCA2-related conditions has been reported. At least one publication reports experimental evidence evaluating an impact on protein function. These results showed no damaging effect of this variant in a homologous recombination assay (Guo_2023). The following publication has been ascertained in the context of this evaluation (PMID: 37731132). ClinVar contains an entry for this variant (Variation ID: 91526). Based on the evidence outlined above, the variant was classified as uncertain significance.

Labcorp Genetics (formerly Invitae), Labcorp
Classification: Uncertain significance for Hereditary breast ovarian cancer syndrome. Last evaluated: 2026-01-19. Review status: criteria provided, single submitter. Criteria: Invitae Variant Classification Sherloc (09022015). Collection method: clinical testing. Allele origin: germline.
Comment: This sequence change replaces valine, which is neutral and non-polar, with isoleucine, which is neutral and non-polar, at codon 3166 of the BRCA2 protein (p.Val3166Ile). This variant is present in population databases (rs398122615, gnomAD 0.009%). This variant has not been reported in the literature in individuals affected with BRCA2-related conditions. ClinVar contains an entry for this variant (Variation ID: 91526). Invitae Evidence Modeling of protein sequence and biophysical properties (such as structural, functional, and spatial information, amino acid conservation, physicochemical variation, residue mobility, and thermodynamic stability) indicates that this missense variant is not expected to disrupt BRCA2 protein function with a negative predictive value of 95%. In summary, the available evidence is currently insufficient to determine the role of this variant in disease. Therefore, it has been classified as a Variant of Uncertain Significance.

Quest Diagnostics Nichols Institute San Juan Capistrano
Classification: Uncertain significance. Last evaluated: 2025-05-01. Review status: criteria provided, single submitter. Criteria: Quest Diagnostics criteria. Collection method: clinical testing. Allele origin: unknown.
Comment: The BRCA2 c.9496G>A (p.Val3166Ile) variant has been briefly reported in the published literature as part of a multifactorial study (PMID: 30212499 (2018)), however, further research is needed. The frequency of this variant in the general population (Genome Aggregation Database) is uninformative in the assessment of its pathogenicity. Analysis of this variant using bioinformatics tools for the prediction of the effect of amino acid changes on protein structure and function yielded predictions that this variant is benign. Based on the available information, we are unable to determine the clinical significance of this variant.

All of Us Research Program, National Institutes of Health
Classification: Uncertain significance for BRCA2-related cancer predisposition. Last evaluated: 2024-03-24. Review status: criteria provided, single submitter. Criteria: ACMG Guidelines, 2015. Collection method: clinical testing. Allele origin: germline. Inheritance: Autosomal dominant inheritance. Observed: 1 variant allele, 1 heterozygote.
Comment: This missense variant replaces valine with isoleucine at codon 3166 of the BRCA2 protein. Computational prediction suggests that this variant may not impact protein structure and function (internally defined REVEL score threshold <= 0.5, PMID: 27666373). To our knowledge, functional studies have not been reported for this variant. This variant has not been reported in individuals affected with BRCA2-related disorders in the literature. This variant has been identified in 3/251046 chromosomes in the general population by the Genome Aggregation Database (gnomAD). The available evidence is insufficient to determine the role of this variant in disease conclusively. Therefore, this variant is classified as a Variant of Uncertain Significance.

This study involves interpretation of variants in research participants for the purpose of population health screening. Participant phenotype was not available at the time of variant classification. Additional details can be found in publication PMID: 35346344, PMCID: PMC8962531

Color Diagnostics, LLC DBA Color Health
Classification: Uncertain significance for Hereditary cancer-predisposing syndrome. Last evaluated: 2023-11-20. Review status: criteria provided, single submitter. Criteria: ACMG Guidelines, 2015. Collection method: clinical testing. Allele origin: germline.
Comment: This missense variant replaces valine with isoleucine at codon 3166 of the BRCA2 protein. Computational prediction suggests that this variant may not impact protein structure and function (internally defined REVEL score threshold <= 0.5, PMID: 27666373). To our knowledge, functional studies have not been reported for this variant. This variant has not been reported in individuals affected with BRCA2-related disorders in the literature. This variant has been identified in 3/251046 chromosomes in the general population by the Genome Aggregation Database (gnomAD). The available evidence is insufficient to determine the role of this variant in disease conclusively. Therefore, this variant is classified as a Variant of Uncertain Significance.

GeneDx
Classification: Uncertain significance. Last evaluated: 2021-06-30. Review status: criteria provided, single submitter. Criteria: GeneDx Variant Classification Process June 2021. Collection method: clinical testing. Allele origin: germline. Affected: yes.
Comment: Not observed at significant frequency in large population cohorts (Lek 2016); In silico analysis supports that this missense variant does not alter protein structure/function; Has not been previously published as pathogenic or benign to our knowledge; Also known as 9724G>A; This variant is associated with the following publications: (PMID: 12228710, 27535533)

Ambry Genetics
Classification: Likely benign for Hereditary cancer-predisposing syndrome. Last evaluated: 2016-12-05. Review status: criteria provided, single submitter. Criteria: Ambry Variant Classification Scheme 2023. Collection method: clinical testing. Allele origin: germline.

Counsyl
Classification: Uncertain significance for Breast-ovarian cancer, familial, susceptibility to, 2. Last evaluated: 2018-05-23. Review status: no assertion criteria provided. Collection method: clinical testing. Allele origin: unknown. Not counted in ClinVar's aggregate classification.

Sharing Clinical Reports Project (SCRP)
Classification: Uncertain significance for Breast-ovarian cancer, familial 2. Last evaluated: 2011-09-08. Review status: no assertion criteria provided. Collection method: clinical testing. Allele origin: germline. Not counted in ClinVar's aggregate classification.

Literature cited by the submitters: PubMed 37731132 (cited by Women's Health and Genetics/Laboratory Corporation of America, LabCorp); PubMed 30212499 (cited by Quest Diagnostics Nichols Institute San Juan Capistrano).